The following is an entry in ClinVar:

NM_000921.5(PDE3A):c.3363AGA[3] (p.Glu1125del)

Gene: PDE3A (phosphodiesterase 3A; plus strand). Cytogenetic location: 12p12.2.
Variant type: Microsatellite.
Coding change: c.3363AGA[3] on transcript NM_000921.5 (MANE Select); three copies in a row of the 3-base unit AGA starting at c.3363; the reference has four copies in a row; one copy, 3 bases deleted.
Protein change: p.Glu1125del; deletes glutamic acid 1125.
Molecular consequence: inframe deletion. On other transcripts: 3 prime UTR variant (1).
Genome position (GRCh38, 1-based): chr12:20,680,217-20,680,219, AGA deleted; deleting any 3 consecutive bases within chr12:20,680,206-20,680,219 gives the same sequence; the position shown is the placement nearest the transcript's 3' end. VCF-style (leftmost placement, unchanged base first): chr12-20680205-GGAA-G. GRCh37 (hg19) VCF-style: chr12-20833139-GGAA-G.
Other names: c.2397AGA[3], p.Glu803del (NM_001244683.2); c.3057AGA[3], p.Glu1023del (NM_001378407.1); c.*91AGA[3] (NM_001378408.1); short protein forms E1023del, E1125del, E803del.
Identifiers: ClinVar variation 3604407 (VCV003604407.2).
Genomic context (GRCh38, chr12:20,680,205, plus strand): 5'-AAATCAATCCCTGGACCAGACCCCTCAGTCGCACTCTTCAGAACAGATCCAGGCTATCAA[GGAA>G]GAAGAAGAAGAGAAAGGGAAACCAAGAGGCGAGGAGATACCAACCCAAAAGCCAGACCAG-3'

ClinVar aggregate classification (germline): Uncertain significance (1 of 4 stars; one submission).

Submission:

Labcorp Genetics (formerly Invitae), Labcorp
Classification: Uncertain significance. Last evaluated: 2025-08-27. Review status: criteria provided, single submitter. Criteria: Invitae Variant Classification Sherloc (09022015). Collection method: clinical testing. Allele origin: germline.
Comment: This variant, c.3372_3374del, results in the deletion of 1 amino acid(s) of the PDE3A protein (p.Glu1125del), but otherwise preserves the integrity of the reading frame. The frequency data for this variant in the population databases is considered unreliable, as metrics indicate poor data quality at this position in the gnomAD database. This variant has not been reported in the literature in individuals affected with PDE3A-related conditions. This variant has been observed in at least one individual who was not affected with PDE3A-related conditions (internal data). Experimental studies and prediction algorithms are not available or were not evaluated, and the functional significance of this variant is currently unknown. In summary, the available evidence is currently insufficient to determine the role of this variant in disease. Therefore, it has been classified as a Variant of Uncertain Significance.